The following is an entry in ClinVar:

ClinVar aggregate classification (germline): Uncertain significance. Review status: criteria provided, multiple submitters, no conflicts (2 of 4 stars). 4 submissions from 4 submitters: Uncertain significance (4). Last evaluated 2024-04-29.

Conditions:
Lynch syndrome 4 (LYNCH4). Also called: Colorectal cancer, hereditary nonpolyposis, type 4; Hereditary non-polyposis colorectal cancer, type 4. Identifiers: Orphanet 144, MedGen C1838333, MONDO:0013699, OMIM 614337. Disease mechanism: loss of function.
Hereditary nonpolyposis colorectal neoplasms. Identifiers: MedGen C0009405, MeSH D003123.
Hereditary cancer-predisposing syndrome. Also called: Neoplastic Syndromes, Hereditary; Hereditary Cancer Syndrome; Tumor predisposition; Hereditary neoplastic syndrome. Identifiers: Orphanet 140162, MedGen C0027672, MeSH D009386, MONDO:0015356.

Submissions (4):

Labcorp Genetics (formerly Invitae), Labcorp
Classification: Uncertain significance for Hereditary nonpolyposis colorectal neoplasms. Last evaluated: 2024-04-29. Review status: criteria provided, single submitter. Criteria: Invitae Variant Classification Sherloc (09022015). Collection method: clinical testing. Allele origin: germline.
Comment: This sequence change replaces arginine, which is basic and polar, with proline, which is neutral and non-polar, at codon 151 of the PMS2 protein (p.Arg151Pro). This variant is not present in population databases (gnomAD no frequency). This variant has not been reported in the literature in individuals affected with PMS2-related conditions. ClinVar contains an entry for this variant (Variation ID: 979105). Advanced modeling of protein sequence and biophysical properties (such as structural, functional, and spatial information, amino acid conservation, physicochemical variation, residue mobility, and thermodynamic stability) performed at Invitae indicates that this missense variant is expected to disrupt PMS2 protein function with a positive predictive value of 80%. In summary, the available evidence is currently insufficient to determine the role of this variant in disease. Therefore, it has been classified as a Variant of Uncertain Significance.

Ambry Genetics
Classification: Uncertain significance for Hereditary cancer-predisposing syndrome. Last evaluated: 2023-09-14. Review status: criteria provided, single submitter. Criteria: Ambry Variant Classification Scheme 2023. Collection method: clinical testing. Allele origin: germline.
Comment: The p.R151P variant (also known as c.452G>C), located in coding exon 5 of the PMS2 gene, results from a G to C substitution at nucleotide position 452. The arginine at codon 151 is replaced by proline, an amino acid with dissimilar properties. This amino acid position is highly conserved in available vertebrate species. In addition, this alteration is predicted to be deleterious by in silico analysis. Since supporting evidence is limited at this time, the clinical significance of this alteration remains unclear.

Baylor Genetics
Classification: Uncertain significance for Lynch syndrome 4. Last evaluated: 2023-06-01. Review status: criteria provided, single submitter. Criteria: ACMG Guidelines, 2015. Collection method: clinical testing. Allele origin: unknown.

Human Genome Sequencing Center Clinical Lab, Baylor College of Medicine
Classification: Uncertain significance for Hereditary non-polyposis colorectal cancer, type 4. Review status: criteria provided, single submitter. Criteria: ACMG Guidelines, 2015. Collection method: clinical testing. Allele origin: germline.

NM_000535.7(PMS2):c.452G>C (p.Arg151Pro)

Gene: PMS2 (PMS1 homolog 2, mismatch repair system component; minus strand). Cytogenetic location: 7p22.1.
Variant type: single nucleotide variant.
Coding change: c.452G>C on transcript NM_000535.7 (MANE Select); coding-DNA position 452, G replaced by C.
Protein change: p.Arg151Pro; replaces arginine 151 with proline.
Molecular consequence: missense variant. On other transcripts: 5 prime UTR variant (2), non-coding transcript variant (1).
Genome position (GRCh38, 1-based): chr7:6,002,538, C>G on the plus strand (G>C on the coding strand, the complement: PMS2 is on the minus strand). VCF-style: chr7-6002538-C-G. GRCh37 (hg19) VCF-style: chr7-6042169-C-G.
Other names: c.47G>C, p.Arg16Pro (NM_001322003.2, NM_001322004.2, NM_001322005.2 and 3 more transcripts); c.452G>C, p.Arg151Pro (NM_001322006.2, NM_001322014.2); c.134G>C, p.Arg45Pro (NM_001322007.2, NM_001322008.2); c.-433G>C (NM_001322011.2, NM_001322012.2); c.143G>C, p.Arg48Pro (NM_001322015.2); short protein forms R151P, R16P, R45P, R48P.
Identifiers: ClinVar variation 979105 (VCV000979105.8), dbSNP rs35629870, ClinGen allele CA366744322.